The following is an entry in ClinVar:

ClinVar aggregate classification (germline): Uncertain significance. Review status: criteria provided, multiple submitters, no conflicts (2 of 4 stars). 5 submissions from 5 submitters: Uncertain significance (5). Last evaluated 2025-09-30.

Conditions:
Cardiovascular phenotype. Identifiers: MedGen CN230736.
Long QT syndrome 10 (LQT10). Identifiers: Orphanet 101016, Orphanet 768, MedGen C2678484, MONDO:0012737, OMIM 611819.

Allele frequency attached by ClinVar (database versions not stated): TOPMed below 0.00001; gnomAD 0.00001 and 0.00002; gnomAD exomes 0.00003; ExAC 0.00006; 1000 Genomes Project 30x 0.00016; 1000 Genomes Project 0.00020.
gnomAD v4.1: 26 of 1,614,082 alleles (0.0016%); highest among the groups gnomAD compares: South Asian, 0.0033%; no homozygotes.

Submissions (5):

Ambry Genetics
Classification: Uncertain significance for Cardiovascular phenotype. Last evaluated: 2025-09-30. Review status: criteria provided, single submitter. Criteria: Ambry Variant Classification Scheme 2023. Collection method: clinical testing. Allele origin: germline.
Comment: The p.R100C variant (also known as c.298C>T), located in coding exon 3 of the SCN4B gene, results from a C to T substitution at nucleotide position 298. The arginine at codon 100 is replaced by cysteine, an amino acid with highly dissimilar properties. This amino acid position is highly conserved in available vertebrate species. In addition, this alteration is predicted to be deleterious by in silico analysis. The evidence for this gene-disease relationship is limited; therefore, the clinical significance of this alteration is unclear.

GeneDx
Classification: Uncertain significance. Last evaluated: 2024-12-09. Review status: criteria provided, single submitter. Criteria: GeneDx Variant Classification Process June 2021. Collection method: clinical testing. Allele origin: germline. Affected: yes.
Comment: In silico analysis supports that this missense variant has a deleterious effect on protein structure/function; Variants in candidate genes are classified as variants of uncertain significance in accordance with ACMG guidelines (PMID: 25741868); Has not been previously published as pathogenic or benign to our knowledge; This variant is associated with the following publications: (PMID: 37175987, 34293104)

Labcorp Genetics (formerly Invitae), Labcorp
Classification: Uncertain significance for Long QT syndrome 10. Last evaluated: 2022-10-18. Review status: criteria provided, single submitter. Criteria: Invitae Variant Classification Sherloc (09022015). Collection method: clinical testing. Allele origin: germline.
Comment: This variant is present in population databases (rs149497652, gnomAD 0.01%). This sequence change replaces arginine, which is basic and polar, with cysteine, which is neutral and slightly polar, at codon 100 of the SCN4B protein (p.Arg100Cys). This variant has not been reported in the literature in individuals affected with SCN4B-related conditions. In summary, the available evidence is currently insufficient to determine the role of this variant in disease. Therefore, it has been classified as a Variant of Uncertain Significance. Algorithms developed to predict the effect of missense changes on protein structure and function (SIFT, PolyPhen-2, Align-GVGD) all suggest that this variant is likely to be disruptive. ClinVar contains an entry for this variant (Variation ID: 637988).

MVZ Martinsried, Medicover Genetics
Classification: Uncertain significance for Long QT syndrome 10. Last evaluated: 2019-01-21. Review status: criteria provided, single submitter. Criteria: ACMG Guidelines, 2015. Collection method: clinical testing. Allele origin: unknown. Affected: yes.

Breakthrough Genomics
Classification: Uncertain significance. Review status: criteria provided, single submitter. Criteria: ACMG Guidelines, 2015. Collection method: not provided. Allele origin: germline. Inheritance: Autosomal dominant inheritance. Affected: yes.

NM_174934.4(SCN4B):c.298C>T (p.Arg100Cys)

Genes: SCN4B (sodium voltage-gated channel beta subunit 4; minus strand), LOC126861356 (BRD4-independent group 4 enhancer GRCh37_chr11:118014519-118015718; plus strand). Cytogenetic location: 11q23.3.
Variant type: single nucleotide variant.
Coding change: c.298C>T on transcript NM_174934.4 (MANE Select); coding-DNA position 298, C replaced by T.
Protein change: p.Arg100Cys; replaces arginine 100 with cysteine.
Molecular consequence: missense variant. On other transcripts: 5 prime UTR variant (1), non-coding transcript variant (1), intron variant (1).
Genome position (GRCh38, 1-based): chr11:118,143,998, G>A on the plus strand (C>T on the coding strand, the complement: SCN4B is on the minus strand). VCF-style: chr11-118143998-G-A. GRCh37 (hg19) VCF-style: chr11-118014713-G-A.
Other names: c.-33C>T (NM_001142349.2); c.62-2662C>T (NM_001142348.2); short protein forms R100C.
Identifiers: ClinVar variation 637988 (VCV000637988.11), dbSNP rs149497652, ClinGen allele CA6300236.